The following is an entry in ClinVar:

NM_014141.6(CNTNAP2):c.1678C>T (p.Pro560Ser)

Gene: CNTNAP2 (contactin associated protein 2; plus strand). Cytogenetic location: 7q35.
Variant type: single nucleotide variant.
Coding change: c.1678C>T on transcript NM_014141.6 (MANE Select); coding-DNA position 1678, C replaced by T.
Protein change: p.Pro560Ser; replaces proline 560 with serine.
Molecular consequence: missense variant.
Genome position (GRCh38, 1-based): chr7:147,485,942, C>T. VCF-style: chr7-147485942-C-T. GRCh37 (hg19) VCF-style: chr7-147183034-C-T.
Other names: short protein forms P560S.
Identifiers: ClinVar variation 956868 (VCV000956868.7), dbSNP rs1430514202, ClinGen allele CA369925807.

ClinVar aggregate classification (germline): Uncertain significance (1 of 4 stars; one submission).

Conditions:
Cortical dysplasia-focal epilepsy syndrome (PTHSL1). Also called: Pitt-Hopkins-like syndrome 1. Identifiers: Orphanet 163681, Orphanet 221150, MedGen C2750246, MONDO:0012400, OMIM 610042.

Allele frequency attached by ClinVar (database versions not stated): TOPMed below 0.00001; gnomAD 0.00001.
gnomAD v4.1: 7 of 1,613,814 alleles (0.00043%); highest among the groups gnomAD compares: African/African-American, 0.0013%; no homozygotes.

Submission:

Labcorp Genetics (formerly Invitae), Labcorp
Classification: Uncertain significance for Cortical dysplasia-focal epilepsy syndrome. Last evaluated: 2021-08-30. Review status: criteria provided, single submitter. Criteria: Invitae Variant Classification Sherloc (09022015). Collection method: clinical testing. Allele origin: germline.
Comment: This sequence change replaces proline with serine at codon 560 of the CNTNAP2 protein (p.Pro560Ser). The proline residue is moderately conserved and there is a moderate physicochemical difference between proline and serine. This variant is not present in population databases (ExAC no frequency). This variant has not been reported in the literature in individuals affected with CNTNAP2-related conditions. Algorithms developed to predict the effect of missense changes on protein structure and function are either unavailable or do not agree on the potential impact of this missense change (SIFT: "Deleterious"; PolyPhen-2: "Probably Damaging"; Align-GVGD: "Class C0"). In summary, the available evidence is currently insufficient to determine the role of this variant in disease. Therefore, it has been classified as a Variant of Uncertain Significance.